The following is an entry in ClinVar:

NM_020921.4(NIN):c.5620C>T (p.Arg1874Trp)

Gene: NIN (ninein; minus strand). Cytogenetic location: 14q22.1.
Variant type: single nucleotide variant.
Coding change: c.5620C>T on transcript NM_020921.4 (MANE Select); coding-DNA position 5620, C replaced by T.
Protein change: p.Arg1874Trp; replaces arginine 1874 with tryptophan.
Molecular consequence: missense variant.
Genome position (GRCh38, 1-based): chr14:50,739,316, G>A on the plus strand (C>T on the coding strand, the complement: NIN is on the minus strand). VCF-style: chr14-50739316-G-A. GRCh37 (hg19) VCF-style: chr14-51206034-G-A.
Other names: c.3481C>T, p.Arg1161Trp (NM_016350.5); c.5620C>T, p.Arg1874Trp (NM_182944.3, NM_182946.2); c.5620C>T (NM_020921.3); short protein forms R1161W, R1874W.
Identifiers: ClinVar variation 1899384 (VCV001899384.7), dbSNP rs752916118, ClinGen allele CA7181220.

ClinVar aggregate classification (germline): Uncertain significance. Review status: criteria provided, multiple submitters, no conflicts (2 of 4 stars). 2 submissions from 2 submitters: Uncertain significance (2). Last evaluated 2025-11-25.

Allele frequency attached by ClinVar (database versions not stated): ExAC 0.00007.
gnomAD v4.1: 126 of 1,613,782 alleles (0.0078%); highest among the groups gnomAD compares: Admixed American, 0.013%; no homozygotes.

Submissions (2):

Ambry Genetics
Classification: Uncertain significance. Last evaluated: 2025-11-25. Review status: criteria provided, single submitter. Criteria: Ambry Variant Classification Scheme 2023. Collection method: clinical testing. Allele origin: germline.

Labcorp Genetics (formerly Invitae), Labcorp
Classification: Uncertain significance. Last evaluated: 2024-04-29. Review status: criteria provided, single submitter. Criteria: Invitae Variant Classification Sherloc (09022015). Collection method: clinical testing. Allele origin: germline.
Comment: This sequence change replaces arginine, which is basic and polar, with tryptophan, which is neutral and slightly polar, at codon 1874 of the NIN protein (p.Arg1874Trp). This variant is present in population databases (rs752916118, gnomAD 0.01%). This variant has not been reported in the literature in individuals affected with NIN-related conditions. ClinVar contains an entry for this variant (Variation ID: 1899384). An algorithm developed to predict the effect of missense changes on protein structure and function (PolyPhen-2) suggests that this variant is likely to be disruptive. In summary, the available evidence is currently insufficient to determine the role of this variant in disease. Therefore, it has been classified as a Variant of Uncertain Significance.